The following is an entry in ClinVar:

ClinVar aggregate classification (germline): Likely benign. Review status: criteria provided, multiple submitters, no conflicts (2 of 4 stars). 3 submissions from 3 submitters: Likely benign (3). Last evaluated 2025-12-08.

Conditions:
RYR1-related disorder. Also called: RYR1-related disorders; RYR1-related condition. Identifiers: MedGen CN239331.
Malignant hyperthermia, susceptibility to, 1 (MHS1). Also called: RYR1-Related Malignant Hyperthermia Susceptibility; Malignant hyperthermia suceptibility 1; Anesthesia related hyperthermia; Malignant hyperpyrexia; Fulminating hyperpyrexia; Pharmacogenic myopathy. Identifiers: Orphanet 423, MedGen C2930980, MONDO:0007783, OMIM 145600.

Allele frequency attached by ClinVar (database versions not stated): gnomAD exomes 0.00001 and 0.00002; gnomAD 0.00004; ExAC 0.00005; TOPMed 0.00006; 1000 Genomes Project 30x 0.00016; 1000 Genomes Project 0.00020.
gnomAD v4.1: 22 of 1,566,956 alleles (0.0014%); highest among the groups gnomAD compares: East Asian, 0.0047%; no homozygotes.

Submissions (3):

Labcorp Genetics (formerly Invitae), Labcorp
Classification: Likely benign for RYR1-related disorder. Last evaluated: 2025-12-08. Review status: criteria provided, single submitter. Criteria: Invitae Variant Classification Sherloc (09022015). Collection method: clinical testing. Allele origin: germline.

All of Us Research Program, National Institutes of Health
Classification: Likely benign for Malignant hyperthermia, susceptibility to, 1. Last evaluated: 2024-02-05. Review status: criteria provided, single submitter. Criteria: ACMG Guidelines, 2015. Collection method: clinical testing. Allele origin: germline. Inheritance: Autosomal dominant inheritance. Observed: 7 variant alleles, 7 heterozygotes.
Comment: This study involves interpretation of variants in research participants for the purpose of population health screening. Participant phenotype was not available at the time of variant classification. Additional details can be found in publication PMID: 35346344, PMCID: PMC8962531

Color Diagnostics, LLC DBA Color Health
Classification: Likely benign for Malignant hyperthermia, susceptibility to, 1. Last evaluated: 2022-11-06. Review status: criteria provided, single submitter. Criteria: ACMG Guidelines, 2015. Collection method: clinical testing. Allele origin: germline.

NM_000540.3(RYR1):c.9642C>T (p.Asn3214=)

Gene: RYR1 (ryanodine receptor 1; plus strand). Cytogenetic location: 19q13.2.
Variant type: single nucleotide variant.
Coding change: c.9642C>T on transcript NM_000540.3 (MANE Select); coding-DNA position 9642, C replaced by T.
Protein change: p.Asn3214=; no amino-acid change (asparagine 3214 retained).
Molecular consequence: synonymous variant.
Genome position (GRCh38, 1-based): chr19:38,516,174, C>T. VCF-style: chr19-38516174-C-T. GRCh37 (hg19) VCF-style: chr19-39006814-C-T.
Other names: c.9642C>T, p.Asn3214= (NM_001042723.2).
Identifiers: ClinVar variation 1103054 (VCV001103054.10), dbSNP rs200736343, ClinGen allele CA073919.